The following is an entry in ClinVar:

NM_000195.5(HPS1):c.499G>A (p.Ala167Thr)

Gene: HPS1 (HPS1 biogenesis of lysosomal organelles complex 3 subunit 1; minus strand). Cytogenetic location: 10q24.2.
Variant type: single nucleotide variant.
Coding change: c.499G>A on transcript NM_000195.5 (MANE Select); coding-DNA position 499, G replaced by A.
Protein change: p.Ala167Thr; replaces alanine 167 with threonine.
Molecular consequence: missense variant. On other transcripts: 5 prime UTR variant (3).
Genome position (GRCh38, 1-based): chr10:98,433,991, C>T on the plus strand (G>A on the coding strand, the complement: HPS1 is on the minus strand). VCF-style: chr10-98433991-C-T. GRCh37 (hg19) VCF-style: chr10-100193748-C-T.
Other names: c.499G>A (NM_000195.3); c.-418G>A (NM_001311345.2, NM_001322489.2); c.499G>A, p.Ala167Thr (NM_001322476.2, NM_001322477.2, NM_001322478.2 and 5 more transcripts); c.356G>A, p.Arg119His (NM_001322480.2, NM_001322481.2, NM_001322482.2); c.130G>A, p.Ala44Thr (NM_001322483.2, NM_001322484.2, NM_001322485.2); c.-517G>A (NM_001322487.2); short protein forms A167T, A44T, R119H.
Identifiers: ClinVar variation 3589153 (VCV003589153.3).

ClinVar aggregate classification (germline): Uncertain significance. Review status: criteria provided, multiple submitters, no conflicts (2 of 4 stars). 3 submissions from 3 submitters: Uncertain significance (3). Last evaluated 2025-12-09.

Conditions:
Hermansky-Pudlak syndrome 1 (HPS1). Also called: DELTA STORAGE POOL DISEASE. Identifiers: Orphanet 231500, Orphanet 79430, MedGen C2931875, MONDO:0008748, OMIM 203300.
Inborn genetic diseases. Identifiers: MedGen C0950123, MeSH D030342.

gnomAD v4.1: 52 of 1,557,910 alleles (0.0033%); highest among the groups gnomAD compares: African/African-American, 0.0082%; no homozygotes.

Submissions (3):

Ambry Genetics
Classification: Uncertain significance for Inborn genetic diseases. Last evaluated: 2025-12-09. Review status: criteria provided, single submitter. Criteria: Ambry Variant Classification Scheme 2023. Collection method: clinical testing. Allele origin: germline.

Fulgent Genetics
Classification: Uncertain significance for Hermansky-Pudlak syndrome 1. Last evaluated: 2024-04-29. Review status: criteria provided, single submitter. Criteria: ACMG Guidelines, 2015. Collection method: clinical testing. Allele origin: germline.

Neuberg Centre For Genomic Medicine, NCGM
Classification: Uncertain significance for Hermansky-Pudlak syndrome 1. Review status: criteria provided, single submitter. Criteria: ACMG Guidelines, 2015. Collection method: clinical testing. Allele origin: germline. Inheritance: Autosomal recessive inheritance. Affected: yes.
Comment: The observed missense c.499G>A (p.Ala167Thr) variant in HPS1 gene has not been reported previously as a pathogenic variant nor as a benign variant, to our knowledge. The p.Ala167Thr variant is present with allele frequency of 0.002% in gnomAD Exomes. This variant has not been submitted to the ClinVar database. Computational evidence (Polyphen - Probably Damaging, SIFT - Disease causing and MutationTaster - Polymorphism) predicts conflicting evidence on protein structure and function for this variant. The reference amino acid of p.Ala167Thr in HPS1 is predicted as conserved by GERP++ and PhyloP across 100 vertebrates. The amino acid Ala at position 167 is changed to a Thr changing protein sequence and it might alter its composition and physico-chemical properties. For these reasons, this variant has been classified as a Variant of Uncertain Significance (VUS).